The following is an entry in ClinVar:

NM_001985.3(ETFB):c.22G>A (p.Val8Ile)

Gene: ETFB (electron transfer flavoprotein subunit beta; minus strand). Cytogenetic location: 19q13.41.
Variant type: single nucleotide variant.
Coding change: c.22G>A on transcript NM_001985.3 (MANE Select); coding-DNA position 22, G replaced by A.
Protein change: p.Val8Ile; replaces valine 8 with isoleucine.
Molecular consequence: missense variant.
Genome position (GRCh38, 1-based): chr19:51,366,305, C>T on the plus strand (G>A on the coding strand, the complement: ETFB is on the minus strand). VCF-style: chr19-51366305-C-T. GRCh37 (hg19) VCF-style: chr19-51869559-C-T.
Other names: c.22G>A (NM_001985.2); short protein forms V8I.
Identifiers: ClinVar variation 1367070 (VCV001367070.6), dbSNP rs531136177, ClinGen allele CA9610959.

ClinVar aggregate classification (germline): Uncertain significance. Review status: criteria provided, multiple submitters, no conflicts (2 of 4 stars). 3 submissions from 3 submitters: Uncertain significance (3). Last evaluated 2025-06-06.

Conditions:
Multiple acyl-CoA dehydrogenase deficiency (MADD). Also called: ETHYLMALONIC-ADIPICACIDURIA; GA II; Glutaric Acidemia type 2; Glutaric aciduria, type 2; Glutaric acidemia type II; GA 2. Identifiers: Orphanet 26791, MedGen C0268596, MONDO:0009282, OMIM 231680.
Inborn genetic diseases. Identifiers: MedGen C0950123, MeSH D030342.

Allele frequency attached by ClinVar (database versions not stated): 1000 Genomes Project 0.00020; 1000 Genomes Project 30x 0.00031.
gnomAD v4.1: 216 of 1,613,508 alleles (0.013%); highest among the groups gnomAD compares: Non-Finnish European, 0.017%; no homozygotes.

Submissions (3):

Ambry Genetics
Classification: Uncertain significance for Inborn genetic diseases. Last evaluated: 2025-06-06. Review status: criteria provided, single submitter. Criteria: Ambry Variant Classification Scheme 2023. Collection method: clinical testing. Allele origin: germline.

GeneDx
Classification: Uncertain significance. Last evaluated: 2024-05-30. Review status: criteria provided, single submitter. Criteria: GeneDx Variant Classification Process June 2021. Collection method: clinical testing. Allele origin: germline. Affected: yes.
Comment: In silico analysis indicates that this missense variant does not alter protein structure/function; Has not been previously published as pathogenic or benign to our knowledge

Labcorp Genetics (formerly Invitae), Labcorp
Classification: Uncertain significance for Multiple acyl-CoA dehydrogenase deficiency. Last evaluated: 2022-08-17. Review status: criteria provided, single submitter. Criteria: Invitae Variant Classification Sherloc (09022015). Collection method: clinical testing. Allele origin: germline.
Comment: This sequence change replaces valine, which is neutral and non-polar, with isoleucine, which is neutral and non-polar, at codon 8 of the ETFB protein (p.Val8Ile). This variant is present in population databases (rs531136177, gnomAD 0.02%). This variant has not been reported in the literature in individuals affected with ETFB-related conditions. ClinVar contains an entry for this variant (Variation ID: 1367070). Algorithms developed to predict the effect of missense changes on protein structure and function (SIFT, PolyPhen-2, Align-GVGD) all suggest that this variant is likely to be disruptive. In summary, the available evidence is currently insufficient to determine the role of this variant in disease. Therefore, it has been classified as a Variant of Uncertain Significance.